The following is an entry in ClinVar:

ClinVar aggregate classification (germline): Likely pathogenic (1 of 4 stars; one submission).

Conditions:
Congenital heart defects, multiple types, 2 (CHTD2). Also called: Congenital heart defects, nonsyndromic, 2. Identifiers: Orphanet 664401, MedGen C3554279, MONDO:0014000, OMIM 614980.

Submission:

3billion
Classification: Likely pathogenic for Congenital heart defects, multiple types, 2. Last evaluated: 2025-08-07. Review status: criteria provided, single submitter. Criteria: ACMG Guidelines, 2015. Collection method: clinical testing. Allele origin: germline. Affected: yes.
Comment: The variant is not observed in the gnomAD v4.1.0 dataset. Predicted Consequence/Location: Stop-gained (nonsense): predicted to result in a loss or disruption of normal protein function through nonsense-mediated decay (NMD) or protein truncation. Multiple pathogenic variants are reported downstream of the variant. Therefore, this variant is classified as Likely pathogenic according to the recommendation of ACMG/AMP guideline.

NM_001292034.3(TAB2):c.691C>T (p.Gln231Ter)

Genes: TAB2 (TGF-beta activated kinase 1 (MAP3K7) binding protein 2; plus strand), LOC126859827 (BRD4-independent group 4 enhancer GRCh37_chr6:149699707-149700906; plus strand). Cytogenetic location: 6q25.1.
Variant type: single nucleotide variant.
Coding change: c.691C>T on transcript NM_001292034.3 (MANE Select); coding-DNA position 691, C replaced by T.
Protein change: p.Gln231Ter; replaces glutamine 231 with a stop codon.
Molecular consequence: nonsense.
Genome position (GRCh38, 1-based): chr6:149,378,606, C>T. VCF-style: chr6-149378606-C-T. GRCh37 (hg19) VCF-style: chr6-149699742-C-T.
Other names: c.595C>T, p.Gln199Ter (NM_001292035.3); c.691C>T, p.Gln231Ter (NM_001369506.1, NM_015093.6); short protein forms Q199*, Q231*.
Identifiers: ClinVar variation 4855219 (VCV004855219.1).